The following is an entry in ClinVar:

NM_000352.6(ABCC8):c.2527C>G (p.Leu843Val)

Gene: ABCC8 (ATP binding cassette subfamily C member 8; minus strand). Cytogenetic location: 11p15.1.
Variant type: single nucleotide variant.
Coding change: c.2527C>G on transcript NM_000352.6 (MANE Select); coding-DNA position 2527, C replaced by G.
Protein change: p.Leu843Val; replaces leucine 843 with valine.
Molecular consequence: missense variant. On other transcripts: non-coding transcript variant (1).
Genome position (GRCh38, 1-based): chr11:17,412,695, G>C on the plus strand (C>G on the coding strand, the complement: ABCC8 is on the minus strand). VCF-style: chr11-17412695-G-C. GRCh37 (hg19) VCF-style: chr11-17434242-G-C.
Other names: c.2530C>G, p.Leu844Val (NM_001287174.3); c.2593C>G, p.Leu865Val (NM_001351295.2); c.2527C>G, p.Leu843Val (NM_001351296.2); c.2524C>G, p.Leu842Val (NM_001351297.2); short protein forms L843V, L842V, L865V, L844V.
Identifiers: ClinVar variation 2738876 (VCV002738876.3), dbSNP rs1460523087, ClinGen allele CA379807457.
Genomic context (GRCh38, chr11:17,412,695, plus strand): 5'-AGACCAGGACCCCAAGGGAACTTGCACTCACCAAGAAGACAACGTTGGCGTGCTGGTAGA[G>C]GGCTCGGGCCACACTGATTCGCTGGCGTTGACCACCAGACAGGTTGATGCCCTGTCACCA-3'
Protein context (NP_000343.2, residues 833-853): QRQRISVARA[Leu843Val]YQHANVVFLD

ClinVar aggregate classification (germline): Uncertain significance (1 of 4 stars; one submission).

Submission:

Labcorp Genetics (formerly Invitae), Labcorp
Classification: Uncertain significance. Last evaluated: 2023-06-24. Review status: criteria provided, single submitter. Criteria: Invitae Variant Classification Sherloc (09022015). Collection method: clinical testing. Allele origin: germline.
Comment: In summary, the available evidence is currently insufficient to determine the role of this variant in disease. Therefore, it has been classified as a Variant of Uncertain Significance. Advanced modeling of protein sequence and biophysical properties (such as structural, functional, and spatial information, amino acid conservation, physicochemical variation, residue mobility, and thermodynamic stability) has been performed at Invitae for this missense variant, however the output from this modeling did not meet the statistical confidence thresholds required to predict the impact of this variant on ABCC8 protein function. This variant has not been reported in the literature in individuals affected with ABCC8-related conditions. This variant is not present in population databases (gnomAD no frequency). This sequence change replaces leucine, which is neutral and non-polar, with valine, which is neutral and non-polar, at codon 843 of the ABCC8 protein (p.Leu843Val).